The following is an entry in ClinVar:

ClinVar aggregate classification (germline): Uncertain significance (1 of 4 stars; one submission).

Conditions:
Noonan syndrome 9 (NS9). Identifiers: Orphanet 648, MedGen C4225282, MONDO:0014691, OMIM 616559.

Allele frequency attached by ClinVar (database versions not stated): gnomAD exomes 0.00001.
gnomAD v4.1: 3 of 1,613,656 alleles (0.00019%); highest among the groups gnomAD compares: Non-Finnish European, 0.00025%; no homozygotes.

Submission:

Labcorp Genetics (formerly Invitae), Labcorp
Classification: Uncertain significance for Noonan syndrome 9. Last evaluated: 2022-06-28. Review status: criteria provided, single submitter. Criteria: Invitae Variant Classification Sherloc (09022015). Collection method: clinical testing. Allele origin: germline.
Comment: This variant is not present in population databases (gnomAD no frequency). In summary, the available evidence is currently insufficient to determine the role of this variant in disease. Therefore, it has been classified as a Variant of Uncertain Significance. Algorithms developed to predict the effect of missense changes on protein structure and function are either unavailable or do not agree on the potential impact of this missense change (SIFT: "Deleterious"; PolyPhen-2: "Benign"; Align-GVGD: "Class C0"). This variant has not been reported in the literature in individuals affected with SOS2-related conditions. This sequence change replaces isoleucine, which is neutral and non-polar, with methionine, which is neutral and non-polar, at codon 417 of the SOS2 protein (p.Ile417Met).

NM_006939.4(SOS2):c.1251C>G (p.Ile417Met)

Gene: SOS2 (SOS Ras/Rho guanine nucleotide exchange factor 2; minus strand). Cytogenetic location: 14q21.3.
Variant type: single nucleotide variant.
Coding change: c.1251C>G on transcript NM_006939.4 (MANE Select); coding-DNA position 1251, C replaced by G.
Protein change: p.Ile417Met; replaces isoleucine 417 with methionine.
Molecular consequence: missense variant.
Genome position (GRCh38, 1-based): chr14:50,160,032, G>C on the plus strand (C>G on the coding strand, the complement: SOS2 is on the minus strand). VCF-style: chr14-50160032-G-C. GRCh37 (hg19) VCF-style: chr14-50626750-G-C.
Other names: c.1152C>G, p.Ile384Met (NM_001411020.1); short protein forms I384M, I417M.
Identifiers: ClinVar variation 2151310 (VCV002151310.4), dbSNP rs2502992253, ClinGen allele CA389646220.